The following is an entry in ClinVar:

NM_021930.6(RINT1):c.512T>G (p.Leu171Arg)

Gene: RINT1 (RAD50 interactor 1; plus strand). Cytogenetic location: 7q22.3.
Variant type: single nucleotide variant.
Coding change: c.512T>G on transcript NM_021930.6 (MANE Select); coding-DNA position 512, T replaced by G.
Protein change: p.Leu171Arg; replaces leucine 171 with arginine.
Molecular consequence: missense variant. On other transcripts: 5 prime UTR variant (3), non-coding transcript variant (1).
Genome position (GRCh38, 1-based): chr7:105,542,646, T>G. VCF-style: chr7-105542646-T-G. GRCh37 (hg19) VCF-style: chr7-105183093-T-G.
Other names: c.278T>G, p.Leu93Arg (NM_001346599.2); c.-508T>G (NM_001346600.2); c.-411T>G (NM_001346601.2); c.-31T>G (NM_001346603.2); short protein forms L93R, L171R.
Identifiers: ClinVar variation 3314412 (VCV003314412.1).

ClinVar aggregate classification (germline): Uncertain significance (1 of 4 stars; one submission).

Submission:

Ambry Genetics
Classification: Uncertain significance. Last evaluated: 2024-05-24. Review status: criteria provided, single submitter. Criteria: Ambry Variant Classification Scheme 2023. Collection method: clinical testing. Allele origin: germline.
Comment: The p.L171R variant (also known as c.512T>G), located in coding exon 4 of the RINT1 gene, results from a T to G substitution at nucleotide position 512. The leucine at codon 171 is replaced by arginine, an amino acid with dissimilar properties. This amino acid position is conserved. In addition, the in silico prediction for this alteration is inconclusive. Based on the available evidence, the clinical significance of this variant remains unclear.